The following is an entry in ClinVar:

ClinVar aggregate classification (germline): Uncertain significance (1 of 4 stars; one submission).

Conditions:
Neuromuscular disease caused by qualitative or quantitative defects of dysferlin. Also called: Qualitative or quantitative defects of dysferlin; Dysferlinopathy. Identifiers: Orphanet 207073, MedGen C2931687, MONDO:0016145.

Allele frequency attached by ClinVar (database versions not stated): gnomAD 0.00002; TOPMed 0.00002; ESP Exome Variant Server 0.00008.
gnomAD v4.1: 13 of 1,614,052 alleles (0.00081%); highest among the groups gnomAD compares: African/African-American, 0.0067%; no homozygotes.

Submission:

Labcorp Genetics (formerly Invitae), Labcorp
Classification: Uncertain significance for Neuromuscular disease caused by qualitative or quantitative defects of dysferlin. Last evaluated: 2022-09-07. Review status: criteria provided, single submitter. Criteria: Invitae Variant Classification Sherloc (09022015). Collection method: clinical testing. Allele origin: germline.
Comment: This sequence change replaces arginine, which is basic and polar, with histidine, which is basic and polar, at codon 192 of the DYSF protein (p.Arg192His). This variant is not present in population databases (gnomAD no frequency). This missense change has been observed in individual(s) with clinical features of limb-girdle muscular dystrophy (PMID: 32400077). ClinVar contains an entry for this variant (Variation ID: 647545). Advanced modeling of protein sequence and biophysical properties (such as structural, functional, and spatial information, amino acid conservation, physicochemical variation, residue mobility, and thermodynamic stability) performed at Invitae indicates that this missense variant is not expected to disrupt DYSF protein function. In summary, the available evidence is currently insufficient to determine the role of this variant in disease. Therefore, it has been classified as a Variant of Uncertain Significance.

Literature cited by the submitters: PubMed 32400077.

NM_001130987.2(DYSF):c.671G>A (p.Arg224His)

Gene: DYSF (dysferlin; plus strand). Cytogenetic location: 2p13.2.
Variant type: single nucleotide variant.
Coding change: c.671G>A on transcript NM_001130987.2 (MANE Select); coding-DNA position 671, G replaced by A.
Protein change: p.Arg224His; replaces arginine 224 with histidine.
Molecular consequence: missense variant.
Genome position (GRCh38, 1-based): chr2:71,513,833, G>A. VCF-style: chr2-71513833-G-A. GRCh37 (hg19) VCF-style: chr2-71740963-G-A.
Other names: c.575G>A, p.Arg192His (NM_003494.4, NM_001130976.2, NM_001130977.2 and 1 more transcripts); c.578G>A, p.Arg193His (NM_001130455.2, NM_001130983.2, NM_001130984.2 and 1 more transcripts); c.668G>A, p.Arg223His (NM_001130979.2, NM_001130980.2, NM_001130981.2); c.671G>A, p.Arg224His (NM_001130982.2, NM_001130985.2); short protein forms R193H, R223H, R224H, R192H.
Identifiers: ClinVar variation 647545 (VCV000647545.3), dbSNP rs373032113, ClinGen allele CA49758787.